The following is an entry in ClinVar:

ClinVar aggregate classification (germline): Uncertain significance (1 of 4 stars; one submission).

Conditions:
Multiple endocrine neoplasia, type 2 (MEN2). Identifiers: Orphanet 653, MedGen C4048306, MONDO:0019003. Disease mechanism: gain of function.

Submission:

Labcorp Genetics (formerly Invitae), Labcorp
Classification: Uncertain significance for Multiple endocrine neoplasia, type 2. Last evaluated: 2021-03-23. Review status: criteria provided, single submitter. Criteria: Invitae Variant Classification Sherloc (09022015). Collection method: clinical testing. Allele origin: germline.
Comment: This sequence change replaces aspartic acid with tyrosine at codon 322 of the RET protein (p.Asp322Tyr). The aspartic acid residue is highly conserved and there is a large physicochemical difference between aspartic acid and tyrosine. This variant is not present in population databases (ExAC no frequency). In summary, the available evidence is currently insufficient to determine the role of this variant in disease. Therefore, it has been classified as a Variant of Uncertain Significance. Algorithms developed to predict the effect of sequence changes on RNA splicing suggest that this variant may create or strengthen a splice site, but this prediction has not been confirmed by published transcriptional studies. Algorithms developed to predict the effect of missense changes on protein structure and function are either unavailable or do not agree on the potential impact of this missense change (SIFT: "Deleterious"; PolyPhen-2: "Probably Damaging"; Align-GVGD: "Class C0"). This variant has not been reported in the literature in individuals with RET-related conditions.

NM_020975.6(RET):c.964G>T (p.Asp322Tyr)

Gene: RET (ret proto-oncogene; plus strand). Cytogenetic location: 10q11.21.
Variant type: single nucleotide variant.
Coding change: c.964G>T on transcript NM_020975.6 (MANE Select); coding-DNA position 964, G replaced by T.
Protein change: p.Asp322Tyr; replaces aspartic acid 322 with tyrosine.
Molecular consequence: missense variant.
Genome position (GRCh38, 1-based): chr10:43,106,472, G>T. VCF-style: chr10-43106472-G-T. GRCh37 (hg19) VCF-style: chr10-43601920-G-T.
Other names: c.964G>T, p.Asp322Tyr (NM_000323.2, NM_001406743.1, NM_001406744.1 and 6 more transcripts); c.202G>T, p.Asp68Tyr (NM_001355216.2); c.835G>T, p.Asp279Tyr (NM_001406761.1, NM_001406762.1, NM_001406764.1 and 1 more transcripts); c.676G>T, p.Asp226Tyr (NM_001406766.1, NM_001406767.1, NM_001406770.1); short protein forms D322Y, D68Y, D226Y, D279Y.
Identifiers: ClinVar variation 1518745 (VCV001518745.9), dbSNP rs1060500755, ClinGen allele CA376546122.